The following is an entry in ClinVar:

NM_000348.4(SRD5A2):c.193G>A (p.Ala65Thr)

Gene: SRD5A2 (steroid 5 alpha-reductase 2; minus strand). Cytogenetic location: 2p23.1.
Variant type: single nucleotide variant.
Coding change: c.193G>A on transcript NM_000348.4 (MANE Select); coding-DNA position 193, G replaced by A.
Protein change: p.Ala65Thr; replaces alanine 65 with threonine.
Molecular consequence: missense variant.
Genome position (GRCh38, 1-based): chr2:31,580,708, C>T on the plus strand (G>A on the coding strand, the complement: SRD5A2 is on the minus strand). VCF-style: chr2-31580708-C-T. GRCh37 (hg19) VCF-style: chr2-31805778-C-T.
Other names: short protein forms A65T.
Identifiers: ClinVar variation 3902145 (VCV003902145.1).

ClinVar aggregate classification (germline): Pathogenic (1 of 4 stars; one submission).

Conditions:
3-Oxo-5 alpha-steroid delta 4-dehydrogenase deficiency (PPSH). Also called: 46,XY disorder of sex development due to 5-alpha-reductase 2 deficiency; FAMILIAL INCOMPLETE MALE PSEUDOHERMAPHRODITISM, TYPE 2; PSEUDOVAGINAL PERINEOSCROTAL HYPOSPADIAS; MALE PSEUDOHERMAPHRODITISM DUE TO 5-ALPHA-REDUCTASE DEFICIENCY. Identifiers: Orphanet 753, MedGen C0268297, MONDO:0009923, OMIM 264600. Disease mechanism: loss of function.

gnomAD v4.1: 1 of 1,604,540 alleles (0.000062%); highest among the groups gnomAD compares: Non-Finnish European, 0.000085%; no homozygotes.

Submission:

Women's Health and Genetics/Laboratory Corporation of America, LabCorp
Classification: Pathogenic for 3-Oxo-5 alpha-steroid delta 4-dehydrogenase deficiency. Last evaluated: 2025-05-19. Review status: criteria provided, single submitter. Criteria: LabCorp Variant Classification Summary - May 2015. Collection method: clinical testing. Allele origin: germline.
Comment: Variant summary: SRD5A2 c.193G>A (p.Gly65Arg) results in a non-conservative amino acid change in the encoded protein sequence. Algorithms developed to predict the effect of missense changes on protein structure and function are either unavailable or do not agree on the potential impact of this missense change. The variant allele was found at a frequency of 0.00021 in 234910 control chromosomes. This frequency is not significantly higher than estimated for a pathogenic variant in SRD5A2 causing 3-Oxo-5 alpha-steroid delta 4-dehydrogenase deficiency, allowing no conclusion about variant significance. c.193G>A has been observed in individual(s) affected with features of 3-Oxo-5 alpha-steroid delta 4-dehydrogenase deficiency (Wang_2018, Zhang_2019, Cheng_2015, Fan_2020, Lui_2022, Chen_2024). These data indicate that the variant is likely to be associated with disease. At least one publication reports experimental evidence evaluating an impact on protein function. The most pronounced variant effect results in <10% of normal activity (Zhang_2023). The following publications have been ascertained in the context of this evaluation (PMID: 25899528, 32713132, 35700942, 29582157, 31219235, 39285472, 37918676). ClinVar contains an entry for this variant (Variation ID: 2573396). Based on the evidence outlined above, the variant was classified as pathogenic.

Literature cited by the submitters: PubMed 31219235; PubMed 25899528; PubMed 32713132; PubMed 35700942; PubMed 29582157; PubMed 39285472; PubMed 37918676.